The following is an entry in ClinVar:

NM_003245.4(TGM3):c.1403C>T (p.Ala468Val)

Gene: TGM3 (transglutaminase 3; plus strand). Cytogenetic location: 20p13.
Variant type: single nucleotide variant.
Coding change: c.1403C>T on transcript NM_003245.4 (MANE Select); coding-DNA position 1403, C replaced by T.
Protein change: p.Ala468Val; replaces alanine 468 with valine.
Molecular consequence: missense variant.
Genome position (GRCh38, 1-based): chr20:2,332,071, C>T. VCF-style: chr20-2332071-C-T. GRCh37 (hg19) VCF-style: chr20-2312717-C-T.
Other names: short protein forms A468V.
Identifiers: ClinVar variation 790767 (VCV000790767.6), dbSNP rs138085403, ClinGen allele CA9731185.

ClinVar aggregate classification (germline): Benign. Review status: criteria provided, multiple submitters, no conflicts (2 of 4 stars). 3 submissions from 3 submitters: Benign (2). 1 of the submissions does not count toward it. Last evaluated 2018-06-18.

Conditions:
TGM3-related disorder. Also called: TGM3-related condition.

Allele frequency attached by ClinVar (database versions not stated): gnomAD exomes 0.00048 and 0.00129; ExAC 0.00160; 1000 Genomes Project 0.00319; 1000 Genomes Project 30x 0.00359; gnomAD 0.00456 and 0.00490; TOPMed 0.00488; ESP Exome Variant Server 0.00623.

Submissions (3):

Labcorp Genetics (formerly Invitae), Labcorp
Classification: Benign. Last evaluated: 2018-06-18. Review status: criteria provided, single submitter. Criteria: Invitae Variant Classification Sherloc (09022015). Collection method: clinical testing. Allele origin: germline.

Breakthrough Genomics
Classification: Benign. Review status: criteria provided, single submitter. Criteria: ACMG Guidelines, 2015. Collection method: not provided. Allele origin: germline. Inheritance: Autosomal recessive inheritance. Affected: yes.

PreventionGenetics, part of Exact Sciences
Classification: Benign for TGM3-related condition. Last evaluated: 2020-07-23. Review status: no assertion criteria provided. Collection method: clinical testing. Allele origin: germline. Not counted in ClinVar's aggregate classification.
Comment: This variant is classified as benign based on ACMG/AMP sequence variant interpretation guidelines (Richards et al. 2015 PMID: 25741868, with internal and published modifications).